The following is an entry in ClinVar:

Conditions:
Arteriohepatic dysplasia. Also called: Alagille Syndrome. Identifiers: Orphanet 52, MedGen C0085280, MeSH D016738, MONDO:0007318.

Submission:

Gilbert/Spinner Lab, Children's Hospital of Philadelphia
No classification provided (evidence only). Condition: Alagille syndrome. Review status: no classification provided. Collection method: research. Allele origin: not applicable. Functional consequence: functionally_abnormal.
ClinVar note: "not provided" was previously submitted as the classification for the variant. However, the classification appeared to be based only on an observation of functional data so it was converted to no classification on 2025-07-30.

NM_000214.3(JAG1):c.845G>T (p.Cys282Phe)

Gene: JAG1 (jagged canonical Notch ligand 1; minus strand). Cytogenetic location: 20p12.2.
Variant type: single nucleotide variant.
Coding change: c.845G>T on transcript NM_000214.3 (MANE Select); coding-DNA position 845, G replaced by T.
Protein change: p.Cys282Phe; replaces cysteine 282 with phenylalanine.
Molecular consequence: missense variant.
Genome position (GRCh38, 1-based): chr20:10,652,509, C>A on the plus strand (G>T on the coding strand, the complement: JAG1 is on the minus strand). VCF-style: chr20-10652509-C-A. GRCh37 (hg19) VCF-style: chr20-10633157-C-A.
Other names: short protein forms C282F.
Identifiers: ClinVar variation 3573130 (VCV003573130.2).